The following is an entry in ClinVar:

ClinVar aggregate classification (germline): Pathogenic/Likely pathogenic. Review status: criteria provided, multiple submitters, no conflicts (2 of 4 stars). 5 submissions from 5 submitters: Pathogenic (4); Likely pathogenic (1). Last evaluated 2024-10-13.

Conditions:
Charcot-Marie-Tooth disease type 4K. Also called: CHARCOT-MARIE-TOOTH DISEASE, DEMYELINATING, AUTOSOMAL RECESSIVE, TYPE 4K; CHARCOT-MARIE-TOOTH NEUROPATHY, DEMYELINATING, AUTOSOMAL RECESSIVE, TYPE 4K; CHARCOT-MARIE-TOOTH DISEASE, DEMYELINATING, TYPE 4K. Identifiers: Orphanet 391351, MedGen C4225246, MONDO:0014733, OMIM 616684.
Mitochondrial complex IV deficiency, nuclear type 1 (MC4DN1). Also called: Mitochondrial complex IV deficiency; Complex 4 mitochondrial respiratory chain deficiency; Deficiency of mitochondrial respiratory chain complex4; Complex IV deficiency; COX DEFICIENCY. Identifiers: MedGen C5435656, MONDO:0700250, OMIM 220110. Disease mechanism: loss of function.
Leigh syndrome (NULS). Also called: Leigh's syndrome; Subacute necrotizing encephalopathy; Necrotizing encephalopathy infantile subacute of Leigh; Leigh Disease; LEIGH SYNDROME, NUCLEAR; Leigh Syndrome (mtDNA deletion). Identifiers: Orphanet 506, MedGen C2931891, MONDO:0009723, OMIM 256000.

Submissions (5):

Labcorp Genetics (formerly Invitae), Labcorp
Classification: Pathogenic for Leigh syndrome. Last evaluated: 2024-10-13. Review status: criteria provided, single submitter. Criteria: Invitae Variant Classification Sherloc (09022015). Collection method: clinical testing. Allele origin: germline.
Comment: This sequence change creates a premature translational stop signal (p.Ser252Hisfs*39) in the SURF1 gene. While this is not anticipated to result in nonsense mediated decay, it is expected to disrupt the last 49 amino acid(s) of the SURF1 protein. This variant is present in population databases (rs782007828, gnomAD 0.006%). This premature translational stop signal has been observed in individual(s) with mitochondrial complex IV deficiency (PMID: 22410471, 30872186). In at least one individual the data is consistent with being in trans (on the opposite chromosome) from a pathogenic variant. This variant is also known as c.752_753del. ClinVar contains an entry for this variant (Variation ID: 365526). This variant disrupts a region of the SURF1 protein in which other variant(s) (p.Ser282Cysfs*9) have been determined to be pathogenic (PMID: 9837813, 16326995, 18583168, 22488715, 23829769). This suggests that this is a clinically significant region of the protein, and that variants that disrupt it are likely to be disease-causing. For these reasons, this variant has been classified as Pathogenic.

Women's Health and Genetics/Laboratory Corporation of America, LabCorp
Classification: Pathogenic for Leigh syndrome. Last evaluated: 2021-12-06. Review status: criteria provided, single submitter. Criteria: LabCorp Variant Classification Summary - May 2015. Collection method: clinical testing. Allele origin: germline.
Comment: Variant summary: SURF1 c.754_755delAG (p.Ser252HisfsX39) results in a premature termination codon, predicted to cause a truncation of the encoded protein or absence of the protein due to nonsense mediated decay, which are commonly known mechanisms for disease. The variant allele was found at a frequency of 4.5e-06 in 220304 control chromosomes. c.754_755delAG has been reported in the literature in multiple compound heterozygous and a homozygous individual affected with Leigh Syndrome (Tanigawa 2012, Wedatilake 2013, Rodinova 2014, Li 2018). These data indicate that the variant is likely to be associated with disease. Publications also reported that the variant results in low muscle cytochrome c oxidase (COX) activity in patients (Wedatilake 2013, Rodinova 2014). One clinical diagnostic laboratory has submitted clinical-significance assessments for this variant to ClinVar after 2014 without evidence for independent evaluation and classified the variant as likely pathogenic. Based on the evidence outlined above, the variant was classified as pathogenic.

Illumina Laboratory Services, Illumina
Classification: Likely pathogenic for Leigh syndrome. Last evaluated: 2017-04-27. Review status: criteria provided, single submitter. Criteria: ICSL Variant Classification Criteria 09 May 2019. Collection method: clinical testing. Allele origin: germline.
Comment: The SURF1 c.754_755delAG (p.Ser252HisfsTer39) variant, also known as c.752_753delAG, is a frameshift variant predicted to result in premature termination of the protein. The variant was first reported by Tanigawa et al. (2012) in a compound heterozygous state with a splice site variant in an individual with Leigh syndrome. Wedatilake et al. (2013) identified the c.754_755delAG variant in a homozygous state in one individual who had low muscle cytochrome c oxidase (COX) activity. RodinovÃ¡ et al. (2014) described a third affected individual who was a compound heterozygote for the c.754_755delAG variant and another frameshift variant. The authors demonstrated that the amount and activity of complex IV (COX) in the fibroblasts of this patient was greatly reduced compared to that of healthy controls. Control data are unavailable for this variant, which is reported at a frequency of 0.00003 in the European (non-Finnish) population of the Exome Aggregation Consortium but this is from one allele in a region of low coverage. Based on the evidence from the literature and the potential impact of frameshift variants, the p.Ser252HisfsTer39 variant is interpreted as likely pathogenic for Leigh syndrome. This variant was observed by ICSL as part of a predisposition screen in an ostensibly healthy population.

Juno Genomics, Hangzhou Juno Genomics, Inc
Classification: Pathogenic for Charcot-Marie-Tooth disease type 4K; Mitochondrial complex IV deficiency, nuclear type 1. Review status: criteria provided, single submitter. Criteria: ACMG Guidelines, 2015. Collection method: clinical testing. Allele origin: germline.
Comment: Absent from controls (or at extremely low frequency if recessive) in Genome Aggregation Database.;Null variant in a gene where loss of function (LOF) is a known mechanism of disease.;For recessive disorders, detected in trans with a pathogenic variant.;Patient's phenotype or family history is highly specific for a disease with a single genetic etiology.

Neuberg Centre For Genomic Medicine, NCGM
Classification: Pathogenic for Mitochondrial complex IV deficiency, nuclear type 1. Review status: criteria provided, single submitter. Criteria: ACMG Guidelines, 2015. Collection method: clinical testing. Allele origin: germline. Inheritance: Autosomal recessive inheritance. Affected: yes.
Comment: The frameshift c.754_755del (p.Ser252HisfsTer39) variant has been reported in the literature in multiple compound heterozygous and a homozygous individual affected with Leigh Syndrome (Tanigawa J et al). This p.Ser252HisfsTer39 variant has allele frequency of 0.00045% in the gnomAD and novel (not in any individuals) in 1000 genome database. This variant has been reported to the ClinVar database as Pathogenic. This variant causes a frameshift starting with codon Serine 252, changes this amino acid to Histidine residue, and creates a premature Stop codon at position 39 of the new reading frame, denoted p.Ser252HisfsTer39. This variant is predicted to cause loss of normal protein function through protein truncation. Loss of function variants have been previously reported to be disease causing. For these reasons, this variant has been classified as Pathogenic.

Literature cited by the submitters: PubMed 22410471 (cited by 3 submitters); PubMed 30872186 (cited by Labcorp Genetics (formerly Invitae), Labcorp); PubMed 9837813 (cited by Labcorp Genetics (formerly Invitae), Labcorp); PubMed 16326995 (cited by Labcorp Genetics (formerly Invitae), Labcorp); PubMed 18583168 (cited by Labcorp Genetics (formerly Invitae), Labcorp); PubMed 22488715 (cited by Labcorp Genetics (formerly Invitae), Labcorp); PubMed 23829769 (cited by 3 submitters); PubMed 25629267 (cited by Women's Health and Genetics/Laboratory Corporation of America, LabCorp and Illumina Laboratory Services, Illumina); PubMed 29933018 (cited by Women's Health and Genetics/Laboratory Corporation of America, LabCorp).

NM_003172.4(SURF1):c.754_755del

Gene: SURF1 (SURF1 cytochrome c oxidase assembly factor; minus strand). Cytogenetic location: 9q34.2.
Variant type: Microsatellite.
Coding change: c.754_755del on transcript NM_003172.4 (MANE Select); coding-DNA positions 754 to 755, 2 bases deleted (AG; older notation c.754_755delAG).
Molecular consequence: splice acceptor variant.
Genome position (GRCh38, 1-based): chr9:133,352,139-133,352,140, CT deleted on the plus strand (AG on the coding strand, the reverse complement: SURF1 is on the minus strand); deleting any 2 consecutive bases within chr9:133,352,139-133,352,144 gives the same sequence; the c. name uses the placement nearest the transcript's 3' end. VCF-style (leftmost placement, unchanged base first): chr9-133352138-GCT-G. GRCh37 (hg19) VCF-style: chr9-136218993-GCT-G.
Other names: c.754_755del (NM_003172.3).
Identifiers: ClinVar variation 365526 (VCV000365526.18), dbSNP rs782007828, ClinGen allele CA10626719.